The following is an entry in ClinVar:

NM_006231.4(POLE):c.1124G>C (p.Arg375Pro)

Gene: POLE (DNA polymerase epsilon, catalytic subunit; minus strand). Cytogenetic location: 12q24.33.
Variant type: single nucleotide variant.
Coding change: c.1124G>C on transcript NM_006231.4 (MANE Select); coding-DNA position 1124, G replaced by C.
Protein change: p.Arg375Pro; replaces arginine 375 with proline.
Molecular consequence: missense variant.
Genome position (GRCh38, 1-based): chr12:132,675,500, C>G on the plus strand (G>C on the coding strand, the complement: POLE is on the minus strand). VCF-style: chr12-132675500-C-G. GRCh37 (hg19) VCF-style: chr12-133252086-C-G.
Other names: short protein forms R375P.
Identifiers: ClinVar variation 1508843 (VCV001508843.8), dbSNP rs778572159, ClinGen allele CA387361153.

ClinVar aggregate classification (germline): Uncertain significance (1 of 4 stars; one submission).

Submission:

Labcorp Genetics (formerly Invitae), Labcorp
Classification: Uncertain significance. Last evaluated: 2020-10-27. Review status: criteria provided, single submitter. Criteria: Invitae Variant Classification Sherloc (09022015). Collection method: clinical testing. Allele origin: germline.
Comment: In summary, the available evidence is currently insufficient to determine the role of this variant in disease. Therefore, it has been classified as a Variant of Uncertain Significance. Algorithms developed to predict the effect of missense changes on protein structure and function are either unavailable or do not agree on the potential impact of this missense change (SIFT: "Deleterious"; PolyPhen-2: "Probably Damaging"; Align-GVGD: "Class C0"). This variant has not been reported in the literature in individuals with POLE-related conditions. This variant is not present in population databases (ExAC no frequency). This sequence change replaces arginine with proline at codon 375 of the POLE protein (p.Arg375Pro). The arginine residue is highly conserved and there is a moderate physicochemical difference between arginine and proline.